The following is an entry in ClinVar:

ClinVar aggregate classification (germline): Likely benign. Review status: criteria provided, multiple submitters, no conflicts (2 of 4 stars). 3 submissions from 3 submitters: Likely benign (2). 1 of the submissions does not count toward it. Last evaluated 2025-10-12.

Conditions:
CEACAM16-related disorder. Also called: CEACAM16-related condition.

Allele frequency attached by ClinVar (database versions not stated): ESP Exome Variant Server 0.00008; TOPMed 0.00011; ExAC 0.00012; gnomAD 0.00014; gnomAD exomes 0.00017.

Submissions (3):

Labcorp Genetics (formerly Invitae), Labcorp
Classification: Likely benign. Last evaluated: 2025-10-12. Review status: criteria provided, single submitter. Criteria: Invitae Variant Classification Sherloc (09022015). Collection method: clinical testing. Allele origin: germline.

CeGaT Center for Human Genetics Tuebingen
Classification: Likely benign. Last evaluated: 2025-08-01. Review status: criteria provided, single submitter. Criteria: CeGaT Center For Human Genetics Tuebingen Variant Classification Criteria Version 2. Collection method: clinical testing. Allele origin: germline. Affected: yes. Observed: 1 variant allele.
Comment: CEACAM16: BP4, BP7

PreventionGenetics, part of Exact Sciences
Classification: Likely benign for CEACAM16-related condition. Last evaluated: 2024-02-20. Review status: no assertion criteria provided. Collection method: clinical testing. Allele origin: germline. Not counted in ClinVar's aggregate classification.
Comment: This variant is classified as likely benign based on ACMG/AMP sequence variant interpretation guidelines (Richards et al. 2015 PMID: 25741868, with internal and published modifications).

NM_001039213.4(CEACAM16):c.855C>T (p.Ala285=)

Genes: CEACAM16 (CEA cell adhesion molecule 16, tectorial membrane component; plus strand), CEACAM16-AS1 (CEACAM16, CEACAM19 and PVR antisense RNA 1; minus strand). Cytogenetic location: 19q13.32.
Variant type: single nucleotide variant.
Coding change: c.855C>T on transcript NM_001039213.4 (MANE Select); coding-DNA position 855, C replaced by T.
Protein change: p.Ala285=; no amino-acid change (alanine 285 retained).
Molecular consequence: synonymous variant.
Genome position (GRCh38, 1-based): chr19:44,705,783, C>T. VCF-style: chr19-44705783-C-T. GRCh37 (hg19) VCF-style: chr19-45209053-C-T.
Identifiers: ClinVar variation 3046704 (VCV003046704.9), dbSNP rs370912771, ClinGen allele CA9503159.